The following is an entry in ClinVar:

ClinVar aggregate classification (germline): Uncertain significance (0 of 4 stars; one submission).

Conditions:
LEPR-related disorder. Also called: LEPR-related condition; LEPR-related disorders.

gnomAD v4.1: 7 of 1,611,920 alleles (0.00043%); highest among the groups gnomAD compares: Admixed American, 0.0033%; no homozygotes.

Submission:

PreventionGenetics, part of Exact Sciences
Classification: Uncertain significance for LEPR-related condition. Last evaluated: 2024-02-15. Review status: no assertion criteria provided. Collection method: clinical testing. Allele origin: germline.
Comment: The LEPR c.2498T>C variant is predicted to result in the amino acid substitution p.Ile833Thr. To our knowledge, this variant has not been reported in the literature. This variant is reported in 0.0028% of alleles in individuals of Latino descent in gnomAD. At this time, the clinical significance of this variant is uncertain due to the absence of conclusive functional and genetic evidence.

NM_002303.6(LEPR):c.2498T>C (p.Ile833Thr)

Gene: LEPR (leptin receptor; plus strand). Cytogenetic location: 1p31.3.
Variant type: single nucleotide variant.
Coding change: c.2498T>C on transcript NM_002303.6 (MANE Select); coding-DNA position 2498, T replaced by C.
Protein change: p.Ile833Thr; replaces isoleucine 833 with threonine.
Molecular consequence: missense variant.
Genome position (GRCh38, 1-based): chr1:65,621,359, T>C. VCF-style: chr1-65621359-T-C. GRCh37 (hg19) VCF-style: chr1-66087042-T-C.
Other names: c.2498T>C, p.Ile833Thr (NM_001003679.3, NM_001003680.3, NM_001198687.2 and 2 more transcripts); short protein forms I833T.
Identifiers: ClinVar variation 3353402 (VCV003353402.1).
Genomic context (GRCh38, chr1:65,621,359, plus strand): 5'-GAAATTAATATTTCCTCAAGTTTCTGAGTTGTGTAAATTGTATTTCTTTTTCAGATGATA[T>C]TGAAAAACACCAGAGTGATGCAGGTTTATATGTAATTGTGCCAGTAATTATTTCCTCTTC-3'
Protein context (NP_002294.2, residues 823-843): KIINSFTQDD[Ile833Thr]EKHQSDAGLY